The following is an entry in ClinVar:

ClinVar aggregate classification (germline): Pathogenic. Review status: criteria provided, multiple submitters, no conflicts (2 of 4 stars). 4 submissions from 4 submitters: Pathogenic (4). Last evaluated 2025-09-01.

Conditions:
Hereditary nonpolyposis colorectal neoplasms. Identifiers: MedGen C0009405, MeSH D003123.
Hereditary cancer-predisposing syndrome. Also called: Tumor predisposition; Hereditary Cancer Syndrome; Neoplastic Syndromes, Hereditary; Hereditary neoplastic syndrome. Identifiers: Orphanet 140162, MedGen C0027672, MeSH D009386, MONDO:0015356.
Lynch syndrome 5 (LYNCH5). Also called: Colorectal cancer, hereditary nonpolyposis, type 5; Hereditary non-polyposis colorectal cancer, type 5. Identifiers: Orphanet 144, MedGen C1833477, MONDO:0013710, OMIM 614350. Disease mechanism: loss of function.

Submissions (4):

Labcorp Genetics (formerly Invitae), Labcorp
Classification: Pathogenic for Hereditary nonpolyposis colorectal neoplasms. Last evaluated: 2025-09-01. Review status: criteria provided, single submitter. Criteria: Invitae Variant Classification Sherloc (09022015). Collection method: clinical testing. Allele origin: germline.
Comment: This sequence change creates a premature translational stop signal (p.Cys88Hisfs*58) in the MSH6 gene. It is expected to result in an absent or disrupted protein product. Loss-of-function variants in MSH6 are known to be pathogenic (PMID: 18269114, 24362816). This variant is not present in population databases (gnomAD no frequency). This variant has not been reported in the literature in individuals affected with MSH6-related conditions. ClinVar contains an entry for this variant (Variation ID: 1793939). Algorithms developed to predict the effect of sequence changes on RNA splicing suggest that this variant may disrupt the consensus splice site. For these reasons, this variant has been classified as Pathogenic.

Quest Diagnostics Nichols Institute San Juan Capistrano
Classification: Pathogenic. Last evaluated: 2024-10-17. Review status: criteria provided, single submitter. Criteria: Quest Diagnostics criteria. Collection method: clinical testing. Allele origin: unknown.
Comment: The MSH6 c.262_271del (p.Cys88Hisfs*58) variant alters the translational reading frame of the MSH6 mRNA and causes the premature termination of MSH6 protein synthesis. This variant has not been reported in individuals with MSH6-related conditions in the published literature. This variant has not been reported in large, multi-ethnic general populations (Genome Aggregation Database). Based on the available information, this variant is classified as pathogenic.

Myriad Genetics, Inc.
Classification: Pathogenic for Lynch syndrome 5. Last evaluated: 2024-02-21. Review status: criteria provided, single submitter. Criteria: Myriad Autosomal Dominant, Autosomal Recessive and X-Linked Classification Criteria (2023). Collection method: clinical testing. Allele origin: unknown.
Comment: This variant is considered pathogenic. This variant creates a frameshift predicted to result in premature protein truncation.

Ambry Genetics
Classification: Pathogenic for Hereditary cancer-predisposing syndrome. Last evaluated: 2021-08-26. Review status: criteria provided, single submitter. Criteria: Ambry Variant Classification Scheme 2023. Collection method: clinical testing. Allele origin: germline.
Comment: The c.262_271del10 pathogenic mutation, located in coding exon 2 of the MSH6 gene, results from a deletion of 10 nucleotides at nucleotide positions 262 to 271, causing a translational frameshift with a predicted alternate stop codon (p.C88Hfs*58). This variant is considered to be rare based on population cohorts in the Genome Aggregation Database (gnomAD). This alteration is expected to result in loss of function by premature protein truncation or nonsense-mediated mRNA decay. As such, this alteration is interpreted as a disease-causing mutation.

Literature cited by the submitters: PubMed 18269114 (cited by Labcorp Genetics (formerly Invitae), Labcorp); PubMed 24362816 (cited by Labcorp Genetics (formerly Invitae), Labcorp).

NM_000179.3(MSH6):c.262_271del (p.Cys88fs)

Gene: MSH6 (mutS homolog 6; plus strand). Cytogenetic location: 2p16.3.
Variant type: Deletion.
Coding change: c.262_271del on transcript NM_000179.3 (MANE Select); coding-DNA positions 262 to 271, 10 bases deleted (TGTGACTTCT; older notation c.262_271delTGTGACTTCT).
Protein change: p.Cys88fs; shifts the reading frame from cysteine 88.
Molecular consequence: frameshift variant. On other transcripts: 5 prime UTR variant (2), intron variant (1).
Genome position (GRCh38, 1-based): chr2:47,790,928-47,790,937, TGTGACTTCT deleted; deleting any 10 consecutive bases within chr2:47,790,927-47,790,937 gives the same sequence; the c. name uses the placement nearest the transcript's 3' end. VCF-style (leftmost placement, unchanged base first): chr2-47790926-GTTGTGACTTC-G. GRCh37 (hg19) VCF-style: chr2-48018065-GTTGTGACTTC-G.
Other names: c.262_271delTGTGACTTCT, p.Cys88Hisfs (NM_000179.2, NM_001406796.1, NM_001406798.1 and 7 more transcripts); c.-475_-466del (NM_001281493.2); c.-641_-632del (NM_001281494.2); c.358_367delTGTGACTTCT, p.Cys120Hisfs (NM_001406795.1, NM_001406802.1); c.-36_-27delTGTGACTTCT (NM_001406797.1, NM_001406801.1, NM_001406805.1 and 10 more transcripts); c.184_193delTGTGACTTCT, p.Cys62Hisfs (NM_001406804.1); c.-667_-658delTGTGACTTCT (NM_001406807.1); c.-475_-466delTGTGACTTCT (NM_001406811.1, NM_001406823.1, NM_001406829.1); and 6 more; short protein forms C88fs.
Identifiers: ClinVar variation 1793939 (VCV001793939.5), dbSNP rs2530431213, ClinGen allele CA2580066785.